The following is an entry in ClinVar:

ClinVar aggregate classification (germline): Uncertain significance (1 of 4 stars; one submission).

Conditions:
Androgen resistance syndrome (AIS). Also called: Androgen insensitivity syndrome; Androgen insensitivity syndrome due to coactivator deficiency; DHTR DEFICIENCY; ANDROGEN RECEPTOR DEFICIENCY; DIHYDROTESTOSTERONE RECEPTOR DEFICIENCY; Androgen insensitivity, complete. Identifiers: Orphanet 754, Orphanet 99429, MedGen C0039585, MONDO:0019154, OMIM 300068. Disease mechanism: loss of function.
Kennedy disease (SMAX1). Also called: Spinal and Bulbar Muscular Atrophy; SPINAL AND BULBAR MUSCULAR ATROPHY, X-LINKED 1; KENNEDY SPINAL AND BULBAR MUSCULAR ATROPHY. Identifiers: Orphanet 481, MedGen C1839259, MONDO:0010735, OMIM 313200.

Submission:

Labcorp Genetics (formerly Invitae), Labcorp
Classification: Uncertain significance for Kennedy disease; Androgen resistance syndrome. Last evaluated: 2022-10-04. Review status: criteria provided, single submitter. Criteria: Invitae Variant Classification Sherloc (09022015). Collection method: clinical testing. Allele origin: germline.
Comment: This missense change has been observed in individual(s) with androgen insensitivity syndrome (PMID: 20056211). This variant is not present in population databases (gnomAD no frequency). This sequence change replaces proline, which is neutral and non-polar, with arginine, which is basic and polar, at codon 914 of the AR protein (p.Pro914Arg). This variant is also known as c.2738C>G (p.Pro913Arg). In summary, the available evidence is currently insufficient to determine the role of this variant in disease. Therefore, it has been classified as a Variant of Uncertain Significance. This variant disrupts the p.Pro914 amino acid residue in AR. Other variant(s) that disrupt this residue have been observed in individuals with AR-related conditions (PMID: 32345305), which suggests that this may be a clinically significant amino acid residue. Advanced modeling of protein sequence and biophysical properties (such as structural, functional, and spatial information, amino acid conservation, physicochemical variation, residue mobility, and thermodynamic stability) has been performed at Invitae for this missense variant, however the output from this modeling did not meet the statistical confidence thresholds required to predict the impact of this variant on AR protein function.

Literature cited by the submitters: PubMed 20056211; PubMed 32345305.

NM_000044.6(AR):c.2741C>G (p.Pro914Arg)

Gene: AR (androgen receptor; plus strand). Cytogenetic location: Xq12.
Variant type: single nucleotide variant.
Coding change: c.2741C>G on transcript NM_000044.6 (MANE Select); coding-DNA position 2741, C replaced by G.
Protein change: p.Pro914Arg; replaces proline 914 with arginine.
Molecular consequence: missense variant.
Genome position (GRCh38, 1-based): chrX:67,723,819, C>G. VCF-style: chrX-67723819-C-G. GRCh37 (hg19) VCF-style: chrX-66943661-C-G.
Other names: c.1145C>G, p.Pro382Arg (NM_001011645.3); short protein forms P914R, P382R.
Identifiers: ClinVar variation 2138591 (VCV002138591.4), dbSNP rs2147540801, ClinGen allele CA413428456.